The following is an entry in ClinVar:

NM_018897.3(DNAH7):c.1037dup (p.Gln347fs)

Gene: DNAH7 (dynein axonemal heavy chain 7; minus strand). Cytogenetic location: 2q32.3.
Variant type: Duplication.
Coding change: c.1037dup on transcript NM_018897.3 (MANE Select); coding-DNA position 1037, one base duplicated (A; older notation c.1037dupA).
Protein change: p.Gln347fs; shifts the reading frame from glutamine 347.
Molecular consequence: frameshift variant.
Genome position (GRCh38, 1-based): chr2:196,001,811, T duplicated on the plus strand (A on the coding strand, the reverse complement: DNAH7 is on the minus strand); the first of 8 consecutive T bases (chr2:196,001,811-196,001,818); duplicating any one gives the same sequence. VCF-style (leftmost placement, unchanged base first): chr2-196001810-C-CT. GRCh37 (hg19) VCF-style: chr2-196866534-C-CT.
Other names: c.1037dupA (NM_018897.3); short protein forms Q347fs.
Identifiers: ClinVar variation 4850326 (VCV004850326.1).

ClinVar aggregate classification (germline): Likely pathogenic (1 of 4 stars; one submission).

Conditions:
Ciliary dyskinesia, primary, 50 (CILD50). Identifiers: MedGen C5830473, MONDO:0957252, OMIM 620356.

Submission:

First Genomix Gene Laboratory, Genetic Diagnostics Department
Classification: Likely pathogenic for Ciliary dyskinesia, primary, 50. Last evaluated: 2025-09-15. Review status: criteria provided, single submitter. Criteria: ACMG Guidelines, 2015. Collection method: clinical testing. Allele origin: germline. Inheritance: Autosomal recessive inheritance. Affected: no. Observed: 1 variant allele.